The following is an entry in ClinVar:

NM_001256789.3(CACNA1F):c.5897T>G (p.Leu1966Arg)

Gene: CACNA1F (calcium voltage-gated channel subunit alpha1 F; minus strand). Cytogenetic location: Xp11.23.
Variant type: single nucleotide variant.
Coding change: c.5897T>G on transcript NM_001256789.3 (MANE Select); coding-DNA position 5897, T replaced by G.
Protein change: p.Leu1966Arg; replaces leucine 1966 with arginine.
Molecular consequence: missense variant.
Genome position (GRCh38, 1-based): chrX:49,205,141, A>C on the plus strand (T>G on the coding strand, the complement: CACNA1F is on the minus strand). VCF-style: chrX-49205141-A-C. GRCh37 (hg19) VCF-style: chrX-49061601-A-C.
Other names: c.5735T>G, p.Leu1912Arg (NM_001256790.3); c.5930T>G, p.Leu1977Arg (NM_005183.4); short protein forms L1966R, L1912R, L1977R.
Identifiers: ClinVar variation 1466063 (VCV001466063.9), dbSNP rs781977160, ClinGen allele CA10409875.
Genomic context (GRCh38, chrX:49,205,141, plus strand): 5'-CCTGCTGGGGAGGGGAGGGCAGGAGGTTTATTGAGCAGTTGGGGAGGGGTGGGAATTCAG[A>C]GGGCGTGGACGCAGGCCATCTCGTCTCCCAAGTCCTCCTCATCGAAGCGGGAGAGGATGG-3'
Protein context (NP_001243718.1, residues 1956-1966): LGDEMACVHA[Leu1966Arg]

ClinVar aggregate classification (germline): Conflicting classifications of pathogenicity. Review status: criteria provided, conflicting classifications (1 of 4 stars). 2 submissions from 2 submitters: Uncertain significance (1); Likely benign (1). Last evaluated 2026-07-01.

Allele frequency attached by ClinVar (database versions not stated): gnomAD exomes 0.00001; gnomAD 0.00002; ExAC 0.00003.
gnomAD v4.1: 9 of 1,199,550 alleles (0.00075%); highest among the groups gnomAD compares: South Asian, 0.016%; no homozygotes.

Submissions (2):

CeGaT Center for Human Genetics Tuebingen
Classification: Likely benign. Last evaluated: 2026-07-01. Review status: criteria provided, single submitter. Criteria: CeGaT Center For Human Genetics Tuebingen Variant Classification Criteria Version 2. Collection method: clinical testing. Allele origin: germline. Affected: yes. Observed: 1 variant allele.
Comment: CACNA1F: BS2

Labcorp Genetics (formerly Invitae), Labcorp
Classification: Uncertain significance. Last evaluated: 2024-09-02. Review status: criteria provided, single submitter. Criteria: Invitae Variant Classification Sherloc (09022015). Collection method: clinical testing. Allele origin: germline.
Comment: This sequence change replaces leucine, which is neutral and non-polar, with arginine, which is basic and polar, at codon 1977 of the CACNA1F protein (p.Leu1977Arg). This variant is present in population databases (rs781977160, gnomAD 0.01%). This missense change has been observed in individual(s) with retinitis pigmentosa (internal data). ClinVar contains an entry for this variant (Variation ID: 1466063). An algorithm developed to predict the effect of missense changes on protein structure and function (PolyPhen-2) suggests that this variant is likely to be tolerated. In summary, the available evidence is currently insufficient to determine the role of this variant in disease. Therefore, it has been classified as a Variant of Uncertain Significance.